The following is an entry in ClinVar:

ClinVar aggregate classification (germline): Likely pathogenic (1 of 4 stars; one submission).

Conditions:
Primary ciliary dyskinesia. Also called: Ciliary dyskinesia. Identifiers: Orphanet 244, MedGen C0008780, MONDO:0016575, HP:0012265.

Submission:

Department of Human Genetics, Hannover Medical School
Classification: Likely pathogenic for Primary Ciliary Dyskinesia. Last evaluated: 2026-04-01. Review status: criteria provided, single submitter. Criteria: ACMG Guidelines, 2015. Collection method: research. Allele origin: germline. Affected: no.
Comment: Classification performed by HerediClassify using the following criteria:['PM2_supporting: Variant occures does not occur as homozygous in gnomAD.', 'PVS1_protein_very_strong: Transcript ENST00000348417 is predicted to undergo NMD.']

NM_052989.3(IFT122):c.2938_2948del (p.Phe980fs)

Gene: IFT122 (intraflagellar transport 122; plus strand). Cytogenetic location: 3q22.1.
Variant type: Deletion.
Coding change: c.2938_2948del on transcript NM_052989.3 (MANE Select); coding-DNA positions 2938 to 2948, 11 bases deleted (TTCCTGCTGCA).
Protein change: p.Phe980fs; shifts the reading frame from phenylalanine 980.
Molecular consequence: frameshift variant.
Genome position (GRCh38, 1-based): chr3:129,512,363-129,512,373, TTCCTGCTGCA deleted. VCF-style (leftmost placement, unchanged base first): chr3-129512362-GTTCCTGCTGCA-G. GRCh37 (hg19) VCF-style: chr3-129231205-GTTCCTGCTGCA-G.
Other names: c.2917_2927del, p.Phe973fs (NM_001280541.2); c.2488_2498del, p.Phe830fs (NM_001280545.2); c.2311_2321del, p.Phe771fs (NM_001280546.2); c.2941_2951del, p.Phe981fs (NM_001410808.1); c.2884_2894del, p.Phe962fs (NM_001410809.1); c.2764_2774del, p.Phe922fs (NM_001410810.1); c.2710_2720del, p.Phe904fs (NM_001410811.1); c.2707_2717del, p.Phe903fs (NM_001410813.1); and 10 more; short protein forms F1031fs, F771fs, F830fs, F851fs, F852fs, F869fs, F870fs, F903fs.
Identifiers: ClinVar variation 4880177 (VCV004880177.1).